The following is an entry in ClinVar:

ClinVar aggregate classification (germline): Uncertain significance (1 of 4 stars; one submission).

Conditions:
Autoimmune lymphoproliferative syndrome, type III caused by mutation in PRKCD. Identifiers: Orphanet 3261, Orphanet 664711, MedGen C3809928, MONDO:8000024, OMIM 615559.

gnomAD v4.1: 7 of 1,614,204 alleles (0.00043%); highest among the groups gnomAD compares: Non-Finnish European, 0.00059%; no homozygotes.

Submission:

Labcorp Genetics (formerly Invitae), Labcorp
Classification: Uncertain significance for Autoimmune lymphoproliferative syndrome, type III caused by mutation in PRKCD. Last evaluated: 2025-01-30. Review status: criteria provided, single submitter. Criteria: Invitae Variant Classification Sherloc (09022015). Collection method: clinical testing. Allele origin: germline.
Comment: This sequence change replaces aspartic acid, which is acidic and polar, with glycine, which is neutral and non-polar, at codon 482 of the PRKCD protein (p.Asp482Gly). This variant is not present in population databases (gnomAD no frequency). This variant has not been reported in the literature in individuals affected with PRKCD-related conditions. An algorithm developed to predict the effect of missense changes on protein structure and function (PolyPhen-2) suggests that this variant is likely to be disruptive. In summary, the available evidence is currently insufficient to determine the role of this variant in disease. Therefore, it has been classified as a Variant of Uncertain Significance.

NM_006254.4(PRKCD):c.1445A>G (p.Asp482Gly)

Gene: PRKCD (protein kinase C delta; plus strand). Cytogenetic location: 3p21.1.
Variant type: single nucleotide variant.
Coding change: c.1445A>G on transcript NM_006254.4 (MANE Select); coding-DNA position 1445, A replaced by G.
Protein change: p.Asp482Gly; replaces aspartic acid 482 with glycine.
Molecular consequence: missense variant.
Genome position (GRCh38, 1-based): chr3:53,188,749, A>G. VCF-style: chr3-53188749-A-G. GRCh37 (hg19) VCF-style: chr3-53222765-A-G.
Other names: c.1445A>G, p.Asp482Gly (NM_001316327.2, NM_001354679.2, NM_001354680.2 and 1 more transcripts); c.1502A>G, p.Asp501Gly (NM_001354676.2); c.1493A>G, p.Asp498Gly (NM_001354678.2); short protein forms D482G, D498G, D501G.
Identifiers: ClinVar variation 3690749 (VCV003690749.2).